The following is an entry in ClinVar:

ClinVar aggregate classification (germline): Pathogenic (1 of 4 stars; one submission).

Conditions:
Hereditary nonpolyposis colorectal neoplasms. Identifiers: MedGen C0009405, MeSH D003123.

Submission:

Labcorp Genetics (formerly Invitae), Labcorp
Classification: Pathogenic for Hereditary nonpolyposis colorectal neoplasms. Last evaluated: 2026-01-20. Review status: criteria provided, single submitter. Criteria: Invitae Variant Classification Sherloc (09022015). Collection method: clinical testing. Allele origin: germline.
Comment: This variant results in the deletion of part of exon 9 and part of exon 10 (c.3935_4055del) of the MSH6 gene. While this deletion is not anticipated to lead to nonsense mediated decay, it is expected to disrupt the C-terminus of the protein. This variant is not present in population databases (gnomAD no frequency). This variant has not been reported in the literature in individuals affected with MSH6-related conditions. This variant disrupts a region of the MSH6 protein in which other variant(s) (p.Arg1334Serfs*7) have been determined to be pathogenic (external communication, internal data). This suggests that this is a clinically significant region of the protein, and that variants that disrupt it are likely to be disease-causing. For these reasons, this variant has been classified as Pathogenic.

NM_000179.3(MSH6):c.3935_4055del121 (p.Val1312fs)

Gene: MSH6 (mutS homolog 6; plus strand). Cytogenetic location: 2p16.3.
Variant type: Deletion.
Coding change: c.3935_4055del121 on transcript NM_000179.3 (MANE Select); coding-DNA positions 3935 to 4055, 121 bases deleted.
Protein change: p.Val1312fs; shifts the reading frame from valine 1312.
Molecular consequence: frameshift variant, splice acceptor variant, splice donor variant. On other transcripts: non-coding transcript variant (5).
Genome position: GRCh38: chr2:47,806,585-47,806,832. GRCh37 (hg19): chr2:48,033,724-48,033,971.
Other names: c.3545_3665del121, p.Val1182fs (NM_001281492.2); c.3029_3149del121, p.Val1010fs (NM_001281493.2, NM_001281494.2, NM_001406811.1 and 6 more transcripts); c.4031_4151del121, p.Val1344fs (NM_001406795.1); c.3935_4055del121, p.Val1312fs (NM_001406796.1, NM_001406809.1); c.3638_3758del121, p.Val1213fs (NM_001406797.1, NM_001406805.1, NM_001406818.1 and 8 more transcripts); c.3761_3881del121, p.Val1254fs (NM_001406798.1); c.3410_3530del121, p.Val1137fs (NM_001406799.1, NM_001406806.1, NM_001406807.1); c.3922_*76del121, p.Leu1308fs (NM_001406800.1); and 11 more; short protein forms L1308fs, V1182fs, V1213fs, V1286fs, V1314fs, V1256fs, V239fs, V627fs.
Identifiers: ClinVar variation 4729342 (VCV004729342.1).